The following is an entry in ClinVar:

ClinVar aggregate classification (germline): Uncertain significance. Review status: criteria provided, multiple submitters, no conflicts (2 of 4 stars). 2 submissions from 2 submitters: Uncertain significance (2). Last evaluated 2024-05-15.

Conditions:
Paroxysmal nonkinesigenic dyskinesia. Also called: Paroxysmal non-kinesigenic dyskinesia. Identifiers: Orphanet 98810, MedGen C1869117, MONDO:0700088.
Inborn genetic diseases. Identifiers: MedGen C0950123, MeSH D030342.

Allele frequency attached by ClinVar (database versions not stated): gnomAD exomes below 0.00001 and 0.00001; ExAC 0.00001; gnomAD 0.00003 and 0.00004; TOPMed 0.00004.

Submissions (2):

Labcorp Genetics (formerly Invitae), Labcorp
Classification: Uncertain significance for Paroxysmal nonkinesigenic dyskinesia. Last evaluated: 2024-05-15. Review status: criteria provided, single submitter. Criteria: Invitae Variant Classification Sherloc (09022015). Collection method: clinical testing. Allele origin: germline.
Comment: This sequence change replaces aspartic acid, which is acidic and polar, with valine, which is neutral and non-polar, at codon 365 of the PNKD protein (p.Asp365Val). This variant is present in population databases (rs754318977, gnomAD 0.02%). This variant has not been reported in the literature in individuals affected with PNKD-related conditions. ClinVar contains an entry for this variant (Variation ID: 572971). Advanced modeling of protein sequence and biophysical properties (such as structural, functional, and spatial information, amino acid conservation, physicochemical variation, residue mobility, and thermodynamic stability) performed at Invitae indicates that this missense variant is not expected to disrupt PNKD protein function with a negative predictive value of 80%. In summary, the available evidence is currently insufficient to determine the role of this variant in disease. Therefore, it has been classified as a Variant of Uncertain Significance.

Ambry Genetics
Classification: Uncertain significance for Inborn genetic diseases. Last evaluated: 2022-04-08. Review status: criteria provided, single submitter. Criteria: Ambry Variant Classification Scheme 2023. Collection method: clinical testing. Allele origin: germline.

NM_015488.5(PNKD):c.1094A>T (p.Asp365Val)

Genes: PNKD (PNKD metallo-beta-lactamase domain containing; plus strand), CATIP-AS2 (CATIP antisense RNA 2; minus strand). Cytogenetic location: 2q35.
Variant type: single nucleotide variant.
Coding change: c.1094A>T on transcript NM_015488.5 (MANE Select); coding-DNA position 1094, A replaced by T.
Protein change: p.Asp365Val; replaces aspartic acid 365 with valine.
Molecular consequence: missense variant.
Genome position (GRCh38, 1-based): chr2:218,344,917, A>T. VCF-style: chr2-218344917-A-T. GRCh37 (hg19) VCF-style: chr2-219209640-A-T.
Other names: c.1022A>T, p.Asp341Val (NM_022572.5); short protein forms D365V, D341V.
Identifiers: ClinVar variation 572971 (VCV000572971.9), dbSNP rs754318977, ClinGen allele CA2104204.